The following is an entry in ClinVar:

ClinVar aggregate classification (germline): Uncertain significance (1 of 4 stars; one submission).

Conditions:
Pityriasis rubra pilaris (PRP). Also called: Pityriasis rubra pilaris--familial type. Identifiers: Orphanet 2897, MedGen C0032027, MONDO:0100017, OMIM 173200, MONDO:0008251.
Psoriasis 2. Identifiers: MedGen C1864497, MONDO:0011269, OMIM 602723.

Submission:

Labcorp Genetics (formerly Invitae), Labcorp
Classification: Uncertain significance for Pityriasis rubra pilaris; Psoriasis 2. Last evaluated: 2022-10-07. Review status: criteria provided, single submitter. Criteria: Invitae Variant Classification Sherloc (09022015). Collection method: clinical testing. Allele origin: germline.
Comment: This sequence change replaces methionine, which is neutral and non-polar, with valine, which is neutral and non-polar, at codon 22 of the CARD14 protein (p.Met22Val). This variant is not present in population databases (gnomAD no frequency). This variant has not been reported in the literature in individuals affected with CARD14-related conditions. Advanced modeling of protein sequence and biophysical properties (such as structural, functional, and spatial information, amino acid conservation, physicochemical variation, residue mobility, and thermodynamic stability) performed at Invitae indicates that this missense variant is expected to disrupt CARD14 protein function. In summary, the available evidence is currently insufficient to determine the role of this variant in disease. Therefore, it has been classified as a Variant of Uncertain Significance.

NM_001366385.1(CARD14):c.64A>G (p.Met22Val)

Gene: CARD14 (caspase recruitment domain family member 14; plus strand). Cytogenetic location: 17q25.3.
Variant type: single nucleotide variant.
Coding change: c.64A>G on transcript NM_001366385.1 (MANE Select); coding-DNA position 64, A replaced by G.
Protein change: p.Met22Val; replaces methionine 22 with valine.
Molecular consequence: missense variant. On other transcripts: non-coding transcript variant (1).
Genome position (GRCh38, 1-based): chr17:80,181,502, A>G. VCF-style: chr17-80181502-A-G. GRCh37 (hg19) VCF-style: chr17-78155301-A-G.
Other names: c.64A>G, p.Met22Val (NM_001257970.1, NM_024110.4); short protein forms M22V.
Identifiers: ClinVar variation 1721113 (VCV001721113.6), dbSNP rs2510554025, ClinGen allele CA401352900.